The following is an entry in ClinVar:

NM_178526.5(SLC25A42):c.830A>G (p.Glu277Gly)

Gene: SLC25A42 (solute carrier family 25 member 42; plus strand). Cytogenetic location: 19p13.11.
Variant type: single nucleotide variant.
Coding change: c.830A>G on transcript NM_178526.5 (MANE Select); coding-DNA position 830, A replaced by G.
Protein change: p.Glu277Gly; replaces glutamic acid 277 with glycine.
Molecular consequence: missense variant.
Genome position (GRCh38, 1-based): chr19:19,110,749, A>G. VCF-style: chr19-19110749-A-G. GRCh37 (hg19) VCF-style: chr19-19221558-A-G.
Other names: c.830A>G, p.Glu277Gly (NM_001321544.2); c.830A>G (NM_178526.3); short protein forms E277G.
Identifiers: ClinVar variation 1982763 (VCV001982763.4), dbSNP rs1272312180, ClinGen allele CA404898053.

ClinVar aggregate classification (germline): Uncertain significance. Review status: criteria provided, multiple submitters, no conflicts (2 of 4 stars). 2 submissions from 2 submitters: Uncertain significance (2). Last evaluated 2025-08-27.

Conditions:
Inborn genetic diseases. Identifiers: MedGen C0950123, MeSH D030342.

Allele frequency attached by ClinVar (database versions not stated): gnomAD exomes 0.00001; TOPMed 0.00001.
gnomAD v4.1: 9 of 1,612,530 alleles (0.00056%); highest among the groups gnomAD compares: Non-Finnish European, 0.00042%; no homozygotes.

Submissions (2):

Ambry Genetics
Classification: Uncertain significance for Inborn genetic diseases. Last evaluated: 2025-08-27. Review status: criteria provided, single submitter. Criteria: Ambry Variant Classification Scheme 2023. Collection method: clinical testing. Allele origin: germline.

Labcorp Genetics (formerly Invitae), Labcorp
Classification: Uncertain significance. Last evaluated: 2022-06-27. Review status: criteria provided, single submitter. Criteria: Invitae Variant Classification Sherloc (09022015). Collection method: clinical testing. Allele origin: germline.
Comment: In summary, the available evidence is currently insufficient to determine the role of this variant in disease. Therefore, it has been classified as a Variant of Uncertain Significance. Algorithms developed to predict the effect of missense changes on protein structure and function are either unavailable or do not agree on the potential impact of this missense change (SIFT: "Deleterious"; PolyPhen-2: "Benign"; Align-GVGD: "Class C0"). This variant has not been reported in the literature in individuals affected with SLC25A42-related conditions. This variant is present in population databases (no rsID available, gnomAD no frequency). This sequence change replaces glutamic acid, which is acidic and polar, with glycine, which is neutral and non-polar, at codon 277 of the SLC25A42 protein (p.Glu277Gly).